The following is an entry in ClinVar:

NM_001042492.3(NF1):c.551del (p.Asn184fs)

Gene: NF1 (neurofibromin 1; plus strand). Cytogenetic location: 17q11.2.
Variant type: Deletion.
Coding change: c.551del on transcript NM_001042492.3 (MANE Select); coding-DNA position 551, one base deleted (A; older notation c.551delA).
Protein change: p.Asn184fs; shifts the reading frame from asparagine 184.
Molecular consequence: frameshift variant.
Genome position (GRCh38, 1-based): chr17:31,169,962, A deleted; the last of 2 consecutive A bases (chr17:31,169,961-31,169,962); deleting either gives the same sequence. VCF-style (leftmost placement, unchanged base first): chr17-31169960-CA-C. GRCh37 (hg19) VCF-style: chr17-29496978-CA-C.
Other names: c.551delA (NM_000267.3); c.551delA, p.Asn184Metfs (NM_000267.4); c.551del, p.Asn184fs (NM_001128147.3); short protein forms N184fs.
Identifiers: ClinVar variation 439984 (VCV000439984.10), dbSNP rs1555607102, ClinGen allele CA645509500.

ClinVar aggregate classification (germline): Pathogenic. Review status: criteria provided, multiple submitters, no conflicts (2 of 4 stars). 2 submissions from 2 submitters: Pathogenic (2). Last evaluated 2024-05-06.

Conditions:
Neurofibromatosis, type 1 (NF1). Also called: Neurofibromatosis, type I; Peripheral type neurofibromatosis; VON RECKLINGHAUSEN DISEASE; NEUROFIBROMATOSIS, TYPE I, SOMATIC. Identifiers: Orphanet 636, MedGen C0027831, MONDO:0018975, OMIM 162200. Disease mechanism: loss of function.

Submissions (2):

Labcorp Genetics (formerly Invitae), Labcorp
Classification: Pathogenic for Neurofibromatosis, type 1. Last evaluated: 2024-05-06. Review status: criteria provided, single submitter. Criteria: Invitae Variant Classification Sherloc (09022015). Collection method: clinical testing. Allele origin: germline.
Comment: This sequence change creates a premature translational stop signal (p.Asn184Metfs*7) in the NF1 gene. It is expected to result in an absent or disrupted protein product. Loss-of-function variants in NF1 are known to be pathogenic (PMID: 10712197, 23913538). This variant is not present in population databases (gnomAD no frequency). This premature translational stop signal has been observed in individual(s) with neurofibromatosis type 1 (PMID: 18546366). ClinVar contains an entry for this variant (Variation ID: 439984). For these reasons, this variant has been classified as Pathogenic.

ARUP Laboratories, Molecular Genetics and Genomics, ARUP Laboratories
Classification: Pathogenic. Last evaluated: 2016-10-23. Review status: criteria provided, single submitter. Criteria: ARUP Molecular Germline Variant Investigation Process. Collection method: clinical testing. Allele origin: germline.

Literature cited by the submitters: PubMed 10712197 (cited by Labcorp Genetics (formerly Invitae), Labcorp); PubMed 23913538 (cited by Labcorp Genetics (formerly Invitae), Labcorp); PubMed 18546366 (cited by Labcorp Genetics (formerly Invitae), Labcorp).